The following is an entry in ClinVar:

NM_001080517.3(SETD5):c.1525-1G>C

Gene: SETD5 (SET domain containing 5; plus strand). Cytogenetic location: 3p25.3.
Variant type: single nucleotide variant.
Coding change: c.1525-1G>C on transcript NM_001080517.3 (MANE Select); the canonical splice acceptor site of the intron before coding-DNA position 1525, G replaced by C.
Molecular consequence: splice acceptor variant.
Genome position (GRCh38, 1-based): chr3:9,447,049, G>C. VCF-style: chr3-9447049-G-C. GRCh37 (hg19) VCF-style: chr3-9488733-G-C.
Other names: c.1231-1G>C (NM_001349451.2, NM_001292043.2).
Identifiers: ClinVar variation 1254037 (VCV001254037.4), dbSNP rs2125271279, ClinGen allele CA351695236.

ClinVar aggregate classification (germline): Pathogenic/Likely pathogenic. Review status: criteria provided, multiple submitters, no conflicts (2 of 4 stars). 3 submissions from 3 submitters: Pathogenic (2); Likely pathogenic (1). Last evaluated 2021-08-21.

Conditions:
Intellectual disability-facial dysmorphism syndrome due to SETD5 haploinsufficiency (MRD23). Also called: Intellectual developmental disorder, autosomal dominant 23. Identifiers: Orphanet 404440, MedGen C3810406, MONDO:0014336, OMIM 615761.

Submissions (3):

GeneDx
Classification: Pathogenic. Last evaluated: 2021-08-21. Review status: criteria provided, single submitter. Criteria: GeneDx Variant Classification Process June 2021. Collection method: clinical testing. Allele origin: germline. Affected: yes.
Comment: Canonical splice site variant expected to result in aberrant splicing, although in the absence of functional evidence the actual effect of this sequence change is unknown.; Not observed at significant frequency in large population cohorts (Lek et al., 2016); Has not been previously published as pathogenic or benign to our knowledge

Victorian Clinical Genetics Services, Murdoch Childrens Research Institute
Classification: Likely pathogenic for Intellectual disability-facial dysmorphism syndrome due to SETD5 haploinsufficiency. Last evaluated: 2020-06-11. Review status: criteria provided, single submitter. Criteria: ACMG Guidelines, 2015. Collection method: clinical testing. Allele origin: germline. Inheritance: Autosomal dominant inheritance. Affected: yes.
Comment: Based on the classification scheme VCGS_Germline_v1.1.1, this variant is classified as likely pathogenic. Following criteria are met: 0102 - Loss-of-function is a known mechanism of disease for this gene. (N) 0107 - This gene is known to be associated with autosomal dominant disease. (N) 0211 - Canonical splice site variant without proven consequence on splicing (no functional evidence available) (intron 13 of 22). (P) 0251 - Variant is heterozygous. (N) 0301 - Variant is absent from gnomAD. (P) 0505 - Abnormal splicing is predicted by in silico tools and affected nucleotide is highly conserved. (P) 0705 - No comparable variants have previous evidence for pathogenicity. (N) 0807 - Variant has not previously been reported in a clinical context. (N) 0905 - No segregation evidence has been identified for this variant. (N) 1007 - No published functional evidence has been identified for this variant. (P) Legend: (P) - Pathogenic, (N) - Neutral, (B) - Benign

Molecular Genetics Department, Kulakov National Medical Research Center for Obstetrics, Gynecology and Perinatology
Classification: Pathogenic for Intellectual disability-facial dysmorphism syndrome due to SETD5 haploinsufficiency. Review status: criteria provided, single submitter. Criteria: ACMG Guidelines, 2015. Collection method: clinical testing. Allele origin: de novo. Affected: yes. Observed: 1 variant allele.
Comment: A previously undescribed heterozygous nucleotide variant creates an alteration of the canonical splice site in the SETD5 gene. Homozygous and compound heterozygous variants are reported in patients with intellectual developmental disorder, autosomal dominant 23, 615761. The variant is not present in population database (gnomAD no frequency). Sanger sequencing revealed that the variant arose de novo (parentage confirmed). In summary, this variant has been classified as pathogenic.